The following is an entry in ClinVar:

ClinVar aggregate classification (germline): Likely benign. Review status: criteria provided, multiple submitters, no conflicts (2 of 4 stars). 2 submissions from 2 submitters: Likely benign (2). Last evaluated 2024-07-24.

Conditions:
Peutz-Jeghers syndrome (PJS). Also called: POLYPOSIS, HAMARTOMATOUS INTESTINAL; POLYPS-AND-SPOTS SYNDROME; Peutz-Jeghers polyposis; Periorificial lentiginosis syndrome. Identifiers: Orphanet 2869, MedGen C0031269, MeSH D010580, MONDO:0008280, OMIM 175200.

gnomAD v4.1: 1 of 1,609,206 alleles (0.000062%); highest among the groups gnomAD compares: Non-Finnish European, 0.000085%; no homozygotes.

Submissions (2):

Labcorp Genetics (formerly Invitae), Labcorp
Classification: Likely benign for Peutz-Jeghers syndrome. Last evaluated: 2024-07-24. Review status: criteria provided, single submitter. Criteria: Invitae Variant Classification Sherloc (09022015). Collection method: clinical testing. Allele origin: germline.

All of Us Research Program, National Institutes of Health
Classification: Likely benign for Peutz-Jeghers syndrome. Last evaluated: 2024-02-22. Review status: criteria provided, single submitter. Criteria: ACMG Guidelines, 2015. Collection method: clinical testing. Allele origin: germline. Inheritance: Autosomal dominant inheritance. Observed: 1 variant allele, 1 heterozygote.
Comment: This study involves interpretation of variants in research participants for the purpose of population health screening. Participant phenotype was not available at the time of variant classification. Additional details can be found in publication PMID: 35346344, PMCID: PMC8962531

NM_000455.5(STK11):c.1109-9C>G

Gene: STK11 (serine/threonine kinase 11; plus strand). Cytogenetic location: 19p13.3.
Variant type: single nucleotide variant.
Coding change: c.1109-9C>G on transcript NM_000455.5 (MANE Select); 9 bases into the intron before coding-DNA position 1109, C replaced by G.
Molecular consequence: intron variant.
Genome position (GRCh38, 1-based): chr19:1,226,445, C>G. VCF-style: chr19-1226445-C-G. GRCh37 (hg19) VCF-style: chr19-1226444-C-G.
Identifiers: ClinVar variation 458013 (VCV000458013.9), dbSNP rs745698182, ClinGen allele CA658656789.